The following is an entry in ClinVar:

NM_177972.3(TUB):c.124C>T (p.Arg42Cys)

Gene: TUB (TUB bipartite transcription factor; plus strand). Cytogenetic location: 11p15.4.
Variant type: single nucleotide variant.
Coding change: c.124C>T on transcript NM_177972.3 (MANE Select); coding-DNA position 124, C replaced by T.
Protein change: p.Arg42Cys; replaces arginine 42 with cysteine.
Molecular consequence: missense variant.
Genome position (GRCh38, 1-based): chr11:8,090,102, C>T. VCF-style: chr11-8090102-C-T. GRCh37 (hg19) VCF-style: chr11-8111649-C-T.
Other names: c.142C>T, p.Arg48Cys (NM_001440538.1, NM_001440539.1, NM_001440540.1 and 1 more transcripts); c.124C>T, p.Arg42Cys (NM_001440541.1); c.289C>T, p.Arg97Cys (NM_003320.5); short protein forms R42C, R48C, R97C.
Identifiers: ClinVar variation 4978033 (VCV004978033.1).

ClinVar aggregate classification (germline): Uncertain significance (1 of 4 stars; one submission).

Conditions:
TUB-related disorder. Also called: TUB-related condition.

gnomAD v4.1: 8 of 1,612,038 alleles (0.0005%); highest among the groups gnomAD compares: Admixed American, 0.0033%; no homozygotes.

Submission:

PreventionGenetics, part of Exact Sciences
Classification: Uncertain significance for TUB-related condition. Last evaluated: 2025-05-23. Review status: criteria provided, single submitter. Criteria: ACMG Guidelines, 2015. Collection method: clinical testing. Allele origin: germline.
Comment: The TUB c.289C>T variant is predicted to result in the amino acid substitution p.Arg97Cys. To our knowledge, this variant has not been reported in the literature. This variant is reported in 0.0055% of alleles in individuals of East Asian descent in gnomAD. At this time, the clinical significance of this variant is uncertain due to the absence of conclusive functional and genetic evidence.